The following is an entry in ClinVar:

ClinVar aggregate classification (germline): Likely pathogenic (1 of 4 stars; one submission).

Conditions:
PMFBP1-related disorder. Also called: PMFBP1-related condition.

Submission:

PreventionGenetics, part of Exact Sciences
Classification: Likely pathogenic for PMFBP1-related condition. Last evaluated: 2026-03-04. Review status: criteria provided, single submitter. Criteria: ACMG Guidelines, 2015. Collection method: clinical testing. Allele origin: germline.
Comment: The PMFBP1 c.1708_1709delinsT variant is predicted to result in premature protein termination (p.Lys570*). To our knowledge, this variant has not been reported in the literature or in a large population database (gnomAD), indicating this variant is rare. Nonsense variants in PMFBP1 are expected to be pathogenic. This variant is interpreted as likely pathogenic.

NM_031293.3(PMFBP1):c.1708_1709delinsT (p.Glu569_Lys570insTer)

Gene: PMFBP1 (polyamine modulated factor 1 binding protein 1; minus strand). Cytogenetic location: 16q22.2.
Variant type: Indel.
Coding change: c.1708_1709delinsT on transcript NM_031293.3 (MANE Select); coding-DNA positions 1708 to 1709, AA replaced by T.
Protein change: p.Glu569_Lys570insTer.
Molecular consequence: nonsense.
Genome position (GRCh38, 1-based): chr16:72,130,286-72,130,287, TT replaced by A on the plus strand (AA replaced by T on the coding strand, the reverse complement: PMFBP1 is on the minus strand). VCF-style: chr16-72130286-TT-A. GRCh37 (hg19) VCF-style: chr16-72164185-TT-A.
Other names: c.1273_1274delinsT, p.Glu424_Lys425insTer (NM_001160213.2).
Identifiers: ClinVar variation 4991343 (VCV004991343.1).